The following is an entry in ClinVar:

NM_177438.3(DICER1):c.3479C>A (p.Ser1160Tyr)

Gene: DICER1 (dicer 1, ribonuclease III; minus strand). Cytogenetic location: 14q32.13.
Variant type: single nucleotide variant.
Coding change: c.3479C>A on transcript NM_177438.3 (MANE Select); coding-DNA position 3479, C replaced by A.
Protein change: p.Ser1160Tyr; replaces serine 1160 with tyrosine.
Molecular consequence: missense variant.
Genome position (GRCh38, 1-based): chr14:95,103,917, G>T on the plus strand (C>A on the coding strand, the complement: DICER1 is on the minus strand). VCF-style: chr14-95103917-G-T. GRCh37 (hg19) VCF-style: chr14-95570254-G-T.
Other names: c.3479C>A, p.Ser1160Tyr (NM_001195573.1, NM_001271282.3, NM_001291628.2 and 1 more transcripts); short protein forms S1160Y.
Identifiers: ClinVar variation 242085 (VCV000242085.21), dbSNP rs774583162, ClinGen allele CA7331033.

ClinVar aggregate classification (germline): Conflicting classifications of pathogenicity. Review status: criteria provided, conflicting classifications (1 of 4 stars). 5 submissions from 5 submitters: Uncertain significance (2); Benign (1); Likely benign (2). Last evaluated 2026-01-05.

Conditions:
Hereditary cancer-predisposing syndrome. Also called: Neoplastic Syndromes, Hereditary; Tumor predisposition; Hereditary neoplastic syndrome; Hereditary Cancer Syndrome. Identifiers: Orphanet 140162, MedGen C0027672, MeSH D009386, MONDO:0015356.
DICER1-related tumor predisposition. Also called: DICER1 syndrome; DICER1-related pleuropulmonary blastoma cancer predisposition syndrome. Identifiers: Orphanet 284343, MedGen C3839822, MONDO:0100216.

Allele frequency attached by ClinVar (database versions not stated): TOPMed 0.00002; gnomAD 0.00003 and 0.00005; gnomAD exomes 0.00004 and 0.00014; ExAC 0.00005.
gnomAD v4.1: 199 of 1,614,138 alleles (0.012%); highest among the groups gnomAD compares: East Asian, 0.44%; 1 homozygote.

Submissions (5):

Labcorp Genetics (formerly Invitae), Labcorp
Classification: Likely benign for DICER1-related tumor predisposition. Last evaluated: 2026-01-05. Review status: criteria provided, single submitter. Criteria: Invitae Variant Classification Sherloc (09022015). Collection method: clinical testing. Allele origin: germline.

GeneDx
Classification: Uncertain significance. Last evaluated: 2024-03-17. Review status: criteria provided, single submitter. Criteria: GeneDx Variant Classification Process June 2021. Collection method: clinical testing. Allele origin: germline. Affected: yes.
Comment: In silico analysis supports that this missense variant does not alter protein structure/function; This variant is associated with the following publications: (PMID: 28873162, 30672147)

Sema4
Classification: Uncertain significance for Hereditary cancer-predisposing syndrome. Last evaluated: 2021-09-16. Review status: criteria provided, single submitter. Criteria: Sema4 Curation Guidelines. Collection method: curation. Allele origin: germline.
Comment: The DICER1 c.3479C>A (p.S1160Y) variant has been reported in heterozygosity in at least 3 individuals with bladder or cervical cancer (PMID: 30672147, 28873162). This variant was observed in 11/18392 chromosomes in the East Asian population, with no homozygotes, according to the Genome Aggregation Database (PMID: 32461654). The variant has been reported in ClinVar (Variation ID 242085). Functional studies have not been performed, and in silico predictions of the variant's effect on protein function are inconclusive. The evidence is insufficient to meet ACMG/AMP criteria for classifying the variant as benign or pathogenic. Thus, the clinical significance of this variant is currently uncertain.

Ambry Genetics
Classification: Likely benign for Hereditary cancer-predisposing syndrome. Last evaluated: 2021-08-18. Review status: criteria provided, single submitter. Criteria: Ambry Variant Classification Scheme 2023. Collection method: clinical testing. Allele origin: germline.

Illumina Laboratory Services, Illumina
Classification: Benign for Pleuropulmonary blastoma. Last evaluated: 2018-01-12. Review status: criteria provided, single submitter. Criteria: ICSL Variant Classification Criteria 13 December 2019. Collection method: clinical testing. Allele origin: germline.
Comment: This variant was observed in the ICSL laboratory as part of a predisposition screen in an ostensibly healthy population. It had not been previously curated by ICSL or reported in the Human Gene Mutation Database (HGMD: prior to June 1st, 2018), and was therefore a candidate for classification through an automated scoring system. Utilizing variant allele frequency, disease prevalence and penetrance estimates, and inheritance mode, an automated score was calculated to assess if this variant is too frequent to cause the disease. Based on the score and internal cut-off values, a variant classified as benign is not then subjected to further curation. The score for this variant resulted in a classification of benign for this disease.

Literature cited by the submitters: PubMed 30672147 (cited by Sema4 and Ambry Genetics); PubMed 28873162 (cited by Sema4).